The following is an entry in ClinVar:

NM_001303256.3(MORC2):c.1561G>T (p.Asp521Tyr)

Gene: MORC2 (MORC family CW-type zinc finger 2; minus strand). Cytogenetic location: 22q12.2.
Variant type: single nucleotide variant.
Coding change: c.1561G>T on transcript NM_001303256.3 (MANE Select); coding-DNA position 1561, G replaced by T.
Protein change: p.Asp521Tyr; replaces aspartic acid 521 with tyrosine.
Molecular consequence: missense variant.
Genome position (GRCh38, 1-based): chr22:30,936,975, C>A on the plus strand (G>T on the coding strand, the complement: MORC2 is on the minus strand). VCF-style: chr22-30936975-C-A. GRCh37 (hg19) VCF-style: chr22-31332962-C-A.
Other names: c.1561G>T, p.Asp521Tyr (NM_001303257.2); c.1375G>T, p.Asp459Tyr (NM_014941.3); short protein forms D459Y, D521Y.
Identifiers: ClinVar variation 663207 (VCV000663207.9), dbSNP rs749364295, ClinGen allele CA10186923.
Genomic context (GRCh38, chr22:30,936,975, plus strand): 5'-TTAGACAATGTGCTCACCGGTCCTGTTCAGGATCAGGGTTCATGGAGCAAACCCAGGTGT[C>A]AGGGTAATCTTTTTCCACAGAACTCAGCTGGAAGGGGAGGGTTCTCCATTTCAGACACAA-3'
Protein context (NP_001290185.1, residues 511-531): QLSSVEKDYP[Asp521Tyr]TWVCSMNPDP

ClinVar aggregate classification (germline): Uncertain significance (1 of 4 stars; one submission).

Conditions:
Charcot-Marie-Tooth disease axonal type 2Z. Also called: CHARCOT-MARIE-TOOTH DISEASE, AXONAL, AUTOSOMAL DOMINANT, TYPE 2Z; CHARCOT-MARIE-TOOTH NEUROPATHY, TYPE 2Z. Identifiers: Orphanet 466768, MedGen C5569025, MONDO:0014736, OMIM 616688.

Allele frequency attached by ClinVar (database versions not stated): TOPMed below 0.00001; ExAC 0.00001; gnomAD 0.00001; gnomAD exomes 0.00002 and 0.00004.

Submission:

Labcorp Genetics (formerly Invitae), Labcorp
Classification: Uncertain significance for Charcot-Marie-Tooth disease axonal type 2Z. Last evaluated: 2022-06-23. Review status: criteria provided, single submitter. Criteria: Invitae Variant Classification Sherloc (09022015). Collection method: clinical testing. Allele origin: germline.
Comment: This missense change has been observed in individual(s) with clinical features of MORC2-related conditions (Invitae). In summary, the available evidence is currently insufficient to determine the role of this variant in disease. Therefore, it has been classified as a Variant of Uncertain Significance. Advanced modeling of protein sequence and biophysical properties (such as structural, functional, and spatial information, amino acid conservation, physicochemical variation, residue mobility, and thermodynamic stability) performed at Invitae indicates that this missense variant is expected to disrupt MORC2 protein function. ClinVar contains an entry for this variant (Variation ID: 663207). This variant is present in population databases (rs749364295, gnomAD 0.004%). This sequence change replaces aspartic acid, which is acidic and polar, with tyrosine, which is neutral and polar, at codon 521 of the MORC2 protein (p.Asp521Tyr).